The following is an entry in ClinVar:

NM_000384.3(APOB):c.5519A>G (p.Tyr1840Cys)

Gene: APOB (apolipoprotein B; minus strand). Cytogenetic location: 2p24.1.
Variant type: single nucleotide variant.
Coding change: c.5519A>G on transcript NM_000384.3 (MANE Select); coding-DNA position 5519, A replaced by G.
Protein change: p.Tyr1840Cys; replaces tyrosine 1840 with cysteine.
Molecular consequence: missense variant.
Genome position (GRCh38, 1-based): chr2:21,011,349, T>C on the plus strand (A>G on the coding strand, the complement: APOB is on the minus strand). VCF-style: chr2-21011349-T-C. GRCh37 (hg19) VCF-style: chr2-21234221-T-C.
Other names: c.5519A>G (NM_000384.2); short protein forms Y1840C.
Identifiers: ClinVar variation 3753066 (VCV003753066.4).

ClinVar aggregate classification (germline): Conflicting classifications of pathogenicity. Review status: criteria provided, conflicting classifications (1 of 4 stars). 3 submissions from 3 submitters: Uncertain significance (2); Benign (1). Last evaluated 2026-04-22.

Conditions:
Hypercholesterolemia, autosomal dominant, type B (FHCL2). Also called: APOLIPOPROTEIN B-100, FAMILIAL DEFECTIVE; APOLIPOPROTEIN B-100, FAMILIAL LIGAND-DEFECTIVE; HYPERCHOLESTEROLEMIA, FAMILIAL, DUE TO LIGAND-DEFECTIVE APOLIPOPROTEIN B; Hyperlipoproteinemia Type IIb; Familial Hypercholesterolemia Type B; Familial hypercholesterolemia 2. Identifiers: MedGen C1704417, MONDO:0007751, OMIM 144010.
Familial hypobetalipoproteinemia 1. Also called: APOB-Related Familial Hypobetalipoproteinemia; Hypobetalipoproteinemia, normotriglyceridemic; Acanthocytosis with hypobetalipoproteinemia. Identifiers: MedGen C4551990, MONDO:0014252, OMIM 615558.
Cardiovascular phenotype. Identifiers: MedGen CN230736.

gnomAD v4.1: 8 of 1,614,046 alleles (0.0005%); highest among the groups gnomAD compares: African/African-American, 0.0053%; no homozygotes.

Submissions (3):

GeneDx
Classification: Uncertain significance. Last evaluated: 2026-04-22. Review status: criteria provided, single submitter. Criteria: GeneDx Variant Classification Process June 2021. Collection method: clinical testing. Allele origin: germline.
Comment: Not observed at significant frequency in large population cohorts (gnomAD); In silico analysis supports that this missense variant has a deleterious effect on protein structure/function; Has not been previously published as pathogenic or benign to our knowledge

Ambry Genetics
Classification: Uncertain significance for Cardiovascular phenotype. Last evaluated: 2026-04-14. Review status: criteria provided, single submitter. Criteria: Ambry Variant Classification Scheme 2023. Collection method: clinical testing. Allele origin: germline.
Comment: The p.Y1840C variant (also known as c.5519A>G), located in coding exon 26 of the APOB gene, results from an A to G substitution at nucleotide position 5519. The tyrosine at codon 1840 is replaced by cysteine, an amino acid with highly dissimilar properties. This amino acid position is conserved. In addition, this alteration is predicted to be tolerated by in silico analysis. Based on the available evidence, the clinical significance of this variant remains unclear.

Labcorp Genetics (formerly Invitae), Labcorp
Classification: Benign for Familial hypobetalipoproteinemia 1; Hypercholesterolemia, autosomal dominant, type B. Last evaluated: 2025-05-23. Review status: criteria provided, single submitter. Criteria: Invitae Variant Classification Sherloc (09022015). Collection method: clinical testing. Allele origin: germline.